The following is an entry in ClinVar:

NM_003151.4(STAT4):c.674T>G (p.Leu225Arg)

Gene: STAT4 (signal transducer and activator of transcription 4; minus strand). Cytogenetic location: 2q32.2.
Variant type: single nucleotide variant.
Coding change: c.674T>G on transcript NM_003151.4 (MANE Select); coding-DNA position 674, T replaced by G.
Protein change: p.Leu225Arg; replaces leucine 225 with arginine.
Molecular consequence: missense variant.
Genome position (GRCh38, 1-based): chr2:191,064,915, A>C on the plus strand (T>G on the coding strand, the complement: STAT4 is on the minus strand). VCF-style: chr2-191064915-A-C. GRCh37 (hg19) VCF-style: chr2-191929641-A-C.
Other names: c.674T>G, p.Leu225Arg (NM_001243835.2); short protein forms L225R.
Identifiers: ClinVar variation 2431873 (VCV002431873.1), dbSNP rs994665092, ClinGen allele CA349917257.

ClinVar aggregate classification (germline): Uncertain significance (1 of 4 stars; one submission).

Conditions:
Systemic lupus erythematosus, susceptibility to, 11. Also called: Systemic lupus erythematosus 11. Identifiers: MedGen C2677096, MONDO:0012835, OMIM 612253.

Submission:

Laboratorio de Genetica e Diagnostico Molecular, Hospital Israelita Albert Einstein
Classification: Uncertain significance for Systemic lupus erythematosus, susceptibility to, 11. Last evaluated: 2022-03-26. Review status: criteria provided, single submitter. Criteria: ACMG Guidelines, 2015. Collection method: clinical testing. Allele origin: germline. Affected: yes. Observed: 1 variant allele.
Comment: ACMG classification criteria: PM2 moderated, BP4 supporting